The following is an entry in ClinVar:

ClinVar aggregate classification (germline): Pathogenic (1 of 4 stars; one submission).

Conditions:
Baller-Gerold syndrome (BGS). Also called: CRANIOSYNOSTOSIS WITH RADIAL DEFECTS. Identifiers: Orphanet 1225, MedGen C0265308, MONDO:0009039, OMIM 218600.

Allele frequency attached by ClinVar (database versions not stated): gnomAD exomes below 0.00001.

Submission:

Labcorp Genetics (formerly Invitae), Labcorp
Classification: Pathogenic for Baller-Gerold syndrome. Last evaluated: 2025-12-28. Review status: criteria provided, single submitter. Criteria: Invitae Variant Classification Sherloc (09022015). Collection method: clinical testing. Allele origin: germline.
Comment: This sequence change creates a premature translational stop signal (p.Trp728*) in the RECQL4 gene. It is expected to result in an absent or disrupted protein product. Loss-of-function variants in RECQL4 are known to be pathogenic (PMID: 12734318, 12952869). This variant is present in population databases (no rsID available, gnomAD 0.0009%). This variant has not been reported in the literature in individuals affected with RECQL4-related conditions. ClinVar contains an entry for this variant (Variation ID: 1407638). For these reasons, this variant has been classified as Pathogenic.

Literature cited by the submitters: PubMed 12734318; PubMed 12952869.

NM_004260.4(RECQL4):c.2184G>A (p.Trp728Ter)

Gene: RECQL4 (RecQ like helicase 4; minus strand). Cytogenetic location: 8q24.3.
Variant type: single nucleotide variant.
Coding change: c.2184G>A on transcript NM_004260.4 (MANE Select); coding-DNA position 2184, G replaced by A.
Protein change: p.Trp728Ter; replaces tryptophan 728 with a stop codon.
Molecular consequence: nonsense.
Genome position (GRCh38, 1-based): chr8:144,513,587, C>T on the plus strand (G>A on the coding strand, the complement: RECQL4 is on the minus strand). VCF-style: chr8-144513587-C-T. GRCh37 (hg19) VCF-style: chr8-145738971-C-T.
Other names: short protein forms W728*.
Identifiers: ClinVar variation 1407638 (VCV001407638.6), dbSNP rs1466549456, ClinGen allele CA372679610.